The following is an entry in ClinVar:

NM_000152.5(GAA):c.953T>C (p.Met318Thr)

Gene: GAA (alpha glucosidase; plus strand). Cytogenetic location: 17q25.3.
Variant type: single nucleotide variant.
Coding change: c.953T>C on transcript NM_000152.5 (MANE Select); coding-DNA position 953, T replaced by C.
Protein change: p.Met318Thr; replaces methionine 318 with threonine.
Molecular consequence: missense variant.
Genome position (GRCh38, 1-based): chr17:80,107,894, T>C. VCF-style: chr17-80107894-T-C. GRCh37 (hg19) VCF-style: chr17-78081693-T-C.
Other names: NM_000152.5(GAA):c.953T>C; c.953T>C, p.Met318Thr (NM_001079803.3, NM_001079804.3); c.953T>C (NM_000152.4); short protein forms M318T.
Identifiers: ClinVar variation 4021 (VCV000004021.35), dbSNP rs121907936, ClinGen allele CA116590.

ClinVar aggregate classification (germline): Pathogenic. Review status: reviewed by expert panel (3 of 4 stars). 15 submissions from 15 submitters: Pathogenic (1). 14 of the submissions do not count toward it. Last evaluated 2022-09-06.

Conditions:
GAA-related disorders.
Glycogen storage disease, type II (IOPD). Also called: Glucosidase acid-1,4-alpha deficiency; CARDIOMEGALIA GLYCOGENICA DIFFUSA; POMPE DISEASE, INFANTILE-ONSET; GLYCOGEN STORAGE DISEASE II, INFANTILE-ONSET; ACID ALPHA-GLUCOSIDASE DEFICIENCY, INFANTILE-ONSET; GAA DEFICIENCY, INFANTILE-ONSET. Identifiers: Orphanet 365, MedGen C0017921, MONDO:0009290, OMIM 232300.

Allele frequency attached by ClinVar (database versions not stated): gnomAD exomes 0.00004; TOPMed 0.00004; ExAC 0.00005; gnomAD 0.00005 and 0.00006.
gnomAD v4.1: 68 of 1,607,946 alleles (0.0042%); highest among the groups gnomAD compares: African/African-American, 0.0094%; no homozygotes.

Submissions 1 to 8 of 15:

ClinGen Lysosomal Storage Disorder Variant Curation Expert Panel
Classification: Pathogenic for Glycogen storage disease, type II. Last evaluated: 2022-09-06. Review status: reviewed by expert panel. Criteria: clingen_lsd_acmg_specifications_v2-1. Collection method: curation. Allele origin: germline. Inheritance: Autosomal recessive inheritance.
Comment: The NM_000152.5:c.953T>C variant in GAA is a missense variant predicted to cause substitution of methionine by threonine at amino acid 318 (p.Met318Thr). Twelve probands with a diagnosis of Pompe disease were identified with this variant. At least 9 of them have GAA activity in the affected range in dried blood spots or <30% normal GAA activity in fibroblasts (PMIDs: 1652892, 19862843, 25139343, 30214072, 34357340, clinical laboratory data) with pseudodeficiency variants confirmed absent in three of these patients (clinical laboratory data) (PP4_Moderate). Of these patients, 10 are compound heterozygous for c.953T>C (p.Met318Thr) and a variant in GAA that has been classified as pathogenic by the ClinGen LSD VCEP; either c.2560C>T (p.Arg854Ter), confirmed in trans (PMID: 1652892, 19862843), c.1979G>A (p.Arg660His), confirmed in trans by parental testing (clinical diagnostic laboratory); c.-32-13T>G, phase unknown (PMIDs: 29122469, 31904026, 32317649, clinical diagnostic laboratory) (at least 5 patients, 1 confirmed in trans) c.2481+102_2646+31del (p.Gly828_Asn882del), phase unknown (clinical diagnostic laboratory), c.1292_1295dupTGCA, phase unknown (PMID: 30214072), or c.1082C>T (p.Pro361Leu), phase unknown (PMID: 25139343). One patient is homozygous for the variant (PMID: 34357340) (0.5 points) (PM3_Very Strong). Another patient is compound heterozygous for the variant and c.692+5G>T (PMID: 29181627) but the allelic data from this patient will be used in the classification of c.692+5G>T and is not included here to avoid circular logic. The highest population minor allele frequency in gnomAD v2.1.1 is 0.00009 in the African population, which is lower than the ClinGen LSD VCEP threshold (<0.001) for PM2_Suporting, and therefore meets this criterion (PM2_Supporting). Functional studies involving expression of the variant in cultured cells indicate that the variant impacts function, resulting in <2% GAA activity (PMID: 1652892, 19862843). The computational predictor REVEL gives a score of 0.89, which is above the threshold of 0.7, evidence that correlates with impact to GAA function (PP3). There is a ClinVar entry for this variant (Variation ID: 4021; 1 star review status) with 3 submitters classifying the variant as pathogenic, two as likley pathogenic and one as a variant of uncertain significance. With data from the published literature and a clinical laboratory, we find that the variant meets the criteria to be classified as pathogenic for Pompe disease. GAA-specific ACMG-AMP criteria met, as specified by the ClinGen LSD VCEP (Specifications Version 2.0): PM3_Very Strong, PP4_Moderate, PS3_Supporting, PM2_Supporting, PP3. Classification approved by the ClinGen LSD VCEP on Sept. 6, 2022.

Genomenon, Inc
Classification: Likely pathogenic for Glycogen storage disease, type II. Last evaluated: 2026-07-01. Review status: criteria provided, single submitter. Criteria: Genomenon Sequence Variant Interpretation Standards - Updated. Collection method: curation. Allele origin: germline. Affected: yes. Not counted in ClinVar's aggregate classification.
Comment: GAA p.Met318Thr (c.953T>C) is a missense variant that changes the amino acid at codon 318 from Methionine to Threonine. This variant has been observed in at least one proband with a GAA-related disorder in the compound heterozygous and/or homozygous state (PMID:19862843;30214072;29181627;34357340;31904026;25139343). At least one functional study has demonstrated a substantial alteration in protein function relative to the wild-type (PMID:19862843;1652892). It is absent or not present at a significant frequency in gnomAD. In silico models predict that this variant is possibly or probably damaging. In conclusion, we classify GAA p.Met318Thr (c.953T>C) as a likely pathogenic variant.

Labcorp Genetics (formerly Invitae), Labcorp
Classification: Pathogenic for Glycogen storage disease, type II. Last evaluated: 2025-12-21. Review status: criteria provided, single submitter. Criteria: Invitae Variant Classification Sherloc (09022015). Collection method: clinical testing. Allele origin: germline. Not counted in ClinVar's aggregate classification.
Comment: This sequence change replaces methionine, which is neutral and non-polar, with threonine, which is neutral and polar, at codon 318 of the GAA protein (p.Met318Thr). This variant is present in population databases (rs121907936, gnomAD 0.009%). This missense change has been observed in individuals with Pompe disease (PMID: 1652892, 19862843, 29122469, 29181627). ClinVar contains an entry for this variant (Variation ID: 4021). An algorithm developed to predict the effect of missense changes on protein structure and function (PolyPhen-2) suggests that this variant is likely to be disruptive. Experimental studies have shown that this missense change affects GAA function (PMID: 1652892, 19862843). This variant disrupts the p.Met318 amino acid residue in GAA. Other variant(s) that disrupt this residue have been observed in individuals with GAA-related conditions (PMID: 21484825), which suggests that this may be a clinically significant amino acid residue. For these reasons, this variant has been classified as Pathogenic.

Natera, Inc.
Classification: Pathogenic for Glycogen storage disease type II. Last evaluated: 2025-07-21. Review status: criteria provided, single submitter. Criteria: Natera Variant Classification Schema (03/2026). Collection method: clinical testing. Allele origin: germline. Not counted in ClinVar's aggregate classification.
Comment: The c.953T>C variant in GAA is a missense variant predicted to cause substitution of methionine to threonine at amino acid 318. This variant is rare in the general population with a frequency below the threshold expected for the associated phenotype(s). This variant has been observed in one or more individuals affected with the associated recessive disease, as either homozygous or compound heterozygous with a second variant (PMID: 29122469, 32317649, 30155607). Given the available evidence, this variant is classified as Pathogenic.

Victorian Clinical Genetics Services, Murdoch Childrens Research Institute
Classification: Pathogenic for Glycogen storage disease, type II. Last evaluated: 2024-10-11. Review status: criteria provided, single submitter. Criteria: ACMG Guidelines, 2015. Collection method: clinical testing. Allele origin: germline. Inheritance: Autosomal recessive inheritance. Affected: yes. Not counted in ClinVar's aggregate classification.
Comment: A heterozygous missense variant was identified, NM_000152.3(GAA):c.953T>C in exon 5 of 20 of the GAA gene. This substitution is predicted to create a moderate amino acid change from methionine to threonine at position 318 of the protein, NP_000143.2(GAA):p.(Met318Thr). The methionine at this position has moderate conservation (100 vertebrates, UCSC), and is located in the N-terminal of the glycosyl-hydrolase domain of the glycoside hydrolase family 31 (GH31). In silico software predicts this variant to be disease causing (Polyphen, SIFT, CADD, Mutation Taster). The variant is present in the gnomAD population database at a frequency of 0.005% (10 heterozygotes, 0 homozygotes). The variant has been previously reported as pathogenic multiple times (ClinVar, Zhong N. et al (1991), Kroos M., et al (2008) and Bali D.S. et al (2011)). The POMPE database lists the variant as CRIM positive and potentially less severe (Kroos M., et al (2008) and Bali D.S. et al (2011)). Functional studies show that this variant causes enzyme deficiency with residual activity (Bali D.S. et al (2011)). Based on information available at the time of curation, this variant has been classified as PATHOGENIC.

Revvity Omics, Revvity
Classification: Pathogenic. Last evaluated: 2024-03-24. Review status: criteria provided, single submitter. Criteria: ACMG Guidelines, 2015. Collection method: clinical testing. Allele origin: germline. Not counted in ClinVar's aggregate classification.

Blueprint Genetics
Classification: Pathogenic for GAA-related disorders. Last evaluated: 2023-08-31. Review status: criteria provided, single submitter. Criteria: ACMG Guidelines, 2015. Collection method: clinical testing. Allele origin: germline. Affected: yes. Observed: 3 variant alleles. Not counted in ClinVar's aggregate classification.

GeneDx
Classification: Pathogenic. Last evaluated: 2023-02-23. Review status: criteria provided, single submitter. Criteria: GeneDx Variant Classification Process June 2021. Collection method: clinical testing. Allele origin: germline. Affected: yes. Not counted in ClinVar's aggregate classification.
Comment: Not observed at significant frequency in large population cohorts (gnomAD); Published functional studies demonstrate a damaging effect with <2% residual GAA enzyme activity (Zhong et al., 1991; Flanagan et al., 2009); In silico analysis supports that this missense variant has a deleterious effect on protein structure/function; This variant is associated with the following publications: (PMID: 19862843, 21228398, 29181627, 30214072, 31254424, 22253258, 19343043, 34357340, 25139343, 31342611, 31086307, 29122469, 30155607, 31904026, 32317649, 34576242, 1652892)